The following is an entry in ClinVar:

NM_018699.4(PRDM5):c.1697C>T (p.Thr566Met)

Gene: PRDM5 (PR/SET domain 5; minus strand). Cytogenetic location: 4q27.
Variant type: single nucleotide variant.
Coding change: c.1697C>T on transcript NM_018699.4 (MANE Select); coding-DNA position 1697, C replaced by T.
Protein change: p.Thr566Met; replaces threonine 566 with methionine.
Molecular consequence: missense variant. On other transcripts: 3 prime UTR variant (1), intron variant (1).
Genome position (GRCh38, 1-based): chr4:120,710,340, G>A on the plus strand (C>T on the coding strand, the complement: PRDM5 is on the minus strand). VCF-style: chr4-120710340-G-A. GRCh37 (hg19) VCF-style: chr4-121631495-G-A.
Other names: c.1604C>T, p.Thr535Met (NM_001300823.2); c.*12C>T (NM_001300824.2); c.1730C>T, p.Thr577Met (NM_001379104.1); c.1531-15065C>T (NM_001379106.1); short protein forms T535M, T566M, T577M.
Identifiers: ClinVar variation 1778250 (VCV001778250.4), dbSNP rs371714829, ClinGen allele CA3060972.

ClinVar aggregate classification (germline): Uncertain significance. Review status: criteria provided, multiple submitters, no conflicts (2 of 4 stars). 2 submissions from 2 submitters: Uncertain significance (2). Last evaluated 2024-11-03.

Conditions:
Cardiovascular phenotype. Identifiers: MedGen CN230736.

Allele frequency attached by ClinVar (database versions not stated): gnomAD exomes 0.00002; gnomAD 0.00003; ExAC 0.00007; ESP Exome Variant Server 0.00008.
gnomAD v4.1: 38 of 1,613,820 alleles (0.0024%); highest among the groups gnomAD compares: South Asian, 0.0066%; no homozygotes.

Submissions (2):

Ambry Genetics
Classification: Uncertain significance for Cardiovascular phenotype. Last evaluated: 2024-11-03. Review status: criteria provided, single submitter. Criteria: Ambry Variant Classification Scheme 2023. Collection method: clinical testing. Allele origin: germline.
Comment: The p.T566M variant (also known as c.1697C>T), located in coding exon 15 of the PRDM5 gene, results from a C to T substitution at nucleotide position 1697. The threonine at codon 566 is replaced by methionine, an amino acid with similar properties. This amino acid position is conserved. In addition, the in silico prediction for this alteration is inconclusive. Since supporting evidence is limited at this time, the clinical significance of this alteration remains unclear.

GeneDx
Classification: Uncertain significance. Last evaluated: 2022-11-03. Review status: criteria provided, single submitter. Criteria: GeneDx Variant Classification Process June 2021. Collection method: clinical testing. Allele origin: germline. Affected: yes.
Comment: In silico analysis supports that this missense variant does not alter protein structure/function; Has not been previously published as pathogenic or benign to our knowledge